The following is an entry in ClinVar:

NM_001009944.3(PKD1):c.8754_8758del (p.Gly2919fs)

Gene: PKD1 (polycystin 1, transient receptor potential channel interacting; minus strand). Cytogenetic location: 16p13.3.
Variant type: Deletion.
Coding change: c.8754_8758del on transcript NM_001009944.3 (MANE Select); coding-DNA positions 8754 to 8758, 5 bases deleted (CGGGC; older notation c.8754_8758delCGGGC).
Protein change: p.Gly2919fs; shifts the reading frame from glycine 2919.
Molecular consequence: frameshift variant.
Genome position (GRCh38, 1-based): chr16:2,103,299-2,103,303, GCCCG deleted on the plus strand (CGGGC on the coding strand, the reverse complement: PKD1 is on the minus strand); deleting any 5 consecutive bases within chr16:2,103,299-2,103,306 gives the same sequence; the c. name uses the placement nearest the transcript's 3' end. VCF-style (leftmost placement, unchanged base first): chr16-2103298-AGCCCG-A. GRCh37 (hg19) VCF-style: chr16-2153299-AGCCCG-A.
Other names: c.8754_8758del, p.Gly2919fs (NM_000296.4); c.8754_8758delCGGGC (NM_001009944.2); short protein forms G2919fs.
Identifiers: ClinVar variation 638007 (VCV000638007.2), dbSNP rs1596525695, ClinGen allele CA915949002.

ClinVar aggregate classification (germline): Pathogenic. Review status: criteria provided, multiple submitters, no conflicts (2 of 4 stars). 2 submissions from 2 submitters: Pathogenic (2). Last evaluated 2019-03-15.

Conditions:
Polycystic kidney disease, adult type (PKD1). Also called: Polycystic Kidney Disease 1, Autosomal Dominant; Polycystic kidney disease 1; Polycystic kidney disease 1, severe; Polycystic Kidney, Autosomal Dominant; POLYCYSTIC KIDNEY DISEASE, ADULT, TYPE I; POLYCYSTIC KIDNEY DISEASE 1 WITH OR WITHOUT POLYCYSTIC LIVER DISEASE. Identifiers: MedGen C3149841, MONDO:0008263, OMIM 173900.

Submissions (2):

MVZ Martinsried, Medicover Genetics
Classification: Pathogenic for Polycystic kidney disease, adult type. Last evaluated: 2019-03-15. Review status: criteria provided, single submitter. Criteria: ACMG Guidelines, 2015. Collection method: clinical testing. Allele origin: unknown. Affected: yes.

Athena Diagnostics
Classification: Pathogenic. Last evaluated: 2018-10-29. Review status: criteria provided, single submitter. Criteria: Athena Diagnostics Criteria. Collection method: clinical testing. Allele origin: germline.
Comment: The variant results in a shift of the reading frame, and is therefore predicted to significantly disrupt the protein structure. Found in at least one symptomatic patient, and not found in general population data.